The following is an entry in ClinVar:

ClinVar aggregate classification (germline): Uncertain significance (1 of 4 stars; one submission).

Conditions:
Cutis laxa, autosomal dominant 3 (ADCL3). Identifiers: Orphanet 90348, MedGen C4225268, MONDO:0014706, OMIM 616603.
Autosomal dominant spastic paraplegia type 9. Identifiers: MedGen C1832669, MONDO:0015091.
de Barsy syndrome. Also called: Cutis laxa-corneal clouding-oligophrenia syndrome. Identifiers: Orphanet 2962, MedGen C0268354, MONDO:0017569.

gnomAD v4.1: 3 of 1,614,040 alleles (0.00019%); highest among the groups gnomAD compares: African/African-American, 0.0027%; no homozygotes.

Submission:

Labcorp Genetics (formerly Invitae), Labcorp
Classification: Uncertain significance for Autosomal dominant spastic paraplegia type 9; de Barsy syndrome; Cutis laxa, autosomal dominant 3. Last evaluated: 2024-06-27. Review status: criteria provided, single submitter. Criteria: Invitae Variant Classification Sherloc (09022015). Collection method: clinical testing. Allele origin: germline.
Comment: This sequence change replaces isoleucine, which is neutral and non-polar, with valine, which is neutral and non-polar, at codon 789 of the ALDH18A1 protein (p.Ile789Val). This variant is not present in population databases (gnomAD no frequency). This variant has not been reported in the literature in individuals affected with ALDH18A1-related conditions. Advanced modeling of protein sequence and biophysical properties (such as structural, functional, and spatial information, amino acid conservation, physicochemical variation, residue mobility, and thermodynamic stability) performed at Invitae indicates that this missense variant is not expected to disrupt ALDH18A1 protein function with a negative predictive value of 95%. In summary, the available evidence is currently insufficient to determine the role of this variant in disease. Therefore, it has been classified as a Variant of Uncertain Significance.

NM_002860.4(ALDH18A1):c.2365A>G (p.Ile789Val)

Gene: ALDH18A1 (aldehyde dehydrogenase 18 family member A1; minus strand). Cytogenetic location: 10q24.1.
Variant type: single nucleotide variant.
Coding change: c.2365A>G on transcript NM_002860.4 (MANE Select); coding-DNA position 2365, A replaced by G.
Protein change: p.Ile789Val; replaces isoleucine 789 with valine.
Molecular consequence: missense variant.
Genome position (GRCh38, 1-based): chr10:95,606,785, T>C on the plus strand (A>G on the coding strand, the complement: ALDH18A1 is on the minus strand). VCF-style: chr10-95606785-T-C. GRCh37 (hg19) VCF-style: chr10-97366542-T-C.
Other names: c.2359A>G, p.Ile787Val (NM_001017423.2, NM_001323415.2); c.2032A>G, p.Ile678Val (NM_001323412.2, NM_001323416.2); c.2365A>G, p.Ile789Val (NM_001323413.2, NM_001323414.2); c.2260A>G, p.Ile754Val (NM_001323417.2); c.2026A>G, p.Ile676Val (NM_001323418.2); c.1729A>G, p.Ile577Val (NM_001323419.2); short protein forms I577V, I676V, I678V, I754V, I787V, I789V.
Identifiers: ClinVar variation 3752510 (VCV003752510.2).
Genomic context (GRCh38, chr10:95,606,785, plus strand): 5'-GACCTTTTGGAAAATTCCCGGGTTTTCCTGGCTCTTTTCAGTTGGTGTTTCTCTGAGGAA[T>C]AGGGAGGTTCTCATGAAGATATTTTAAACTTCCATGCTCTGAGAAATCTGAGACCACGTG-3'
Protein context (NP_002851.2, residues 779-795): SLKYLHENLP[Ile789Val]PQRNTN